The following is an entry in ClinVar:

ClinVar aggregate classification (germline): Conflicting classifications of pathogenicity. Review status: criteria provided, conflicting classifications (1 of 4 stars). 3 submissions from 3 submitters: Likely pathogenic (1); Uncertain significance (2). Last evaluated 2024-07-06.

Conditions:
Bethlem myopathy 1A. Also called: Bethlem Muscular Dystrophy; MYOPATHY, BENIGN CONGENITAL, WITH CONTRACTURES; Bethlem myopathy 1. Identifiers: Orphanet 610, MedGen CN029274, MONDO:0024530, OMIM 158810.

Submissions (3):

Labcorp Genetics (formerly Invitae), Labcorp
Classification: Likely pathogenic for Bethlem myopathy 1A. Last evaluated: 2024-07-06. Review status: criteria provided, single submitter. Criteria: Invitae Variant Classification Sherloc (09022015). Collection method: clinical testing. Allele origin: germline.
Comment: This sequence change falls in intron 14 of the COL6A1 gene. It does not directly change the encoded amino acid sequence of the COL6A1 protein. It affects a nucleotide within the consensus splice site. This variant is not present in population databases (gnomAD no frequency). This variant has been observed in individual(s) with clinical features of autosomal dominant COL6A1-related conditions (PMID: 27447704, 30564623). In at least one individual the variant was observed to be de novo. ClinVar contains an entry for this variant (Variation ID: 286598). Variants that disrupt the consensus splice site are a relatively common cause of aberrant splicing (PMID: 17576681, 9536098). Algorithms developed to predict the effect of sequence changes on RNA splicing suggest that this variant may disrupt the consensus splice site. In summary, the currently available evidence indicates that the variant is pathogenic, but additional data are needed to prove that conclusively. Therefore, this variant has been classified as Likely Pathogenic.

Revvity Omics, Revvity
Classification: Uncertain significance. Last evaluated: 2019-12-10. Review status: criteria provided, single submitter. Criteria: ACMG Guidelines, 2015. Collection method: clinical testing. Allele origin: germline.

Eurofins Ntd Llc (ga)
Classification: Uncertain significance. Last evaluated: 2016-03-14. Review status: criteria provided, single submitter. Criteria: EGL Classification Definitions 2015. Collection method: clinical testing. Allele origin: germline. Observed: 1 variant allele, 1 heterozygote.

Literature cited by the submitters: PubMed 27447704 (cited by Labcorp Genetics (formerly Invitae), Labcorp); PubMed 30564623 (cited by Labcorp Genetics (formerly Invitae), Labcorp); PubMed 17576681 (cited by Labcorp Genetics (formerly Invitae), Labcorp); PubMed 9536098 (cited by Labcorp Genetics (formerly Invitae), Labcorp).

NM_001848.3(COL6A1):c.1056+4A>G

Gene: COL6A1 (collagen type VI alpha 1 chain; plus strand). Cytogenetic location: 21q22.3.
Variant type: single nucleotide variant.
Coding change: c.1056+4A>G on transcript NM_001848.3 (MANE Select); 4 bases into the intron after coding-DNA position 1056, A replaced by G.
Molecular consequence: intron variant.
Genome position (GRCh38, 1-based): chr21:45,990,830, A>G. VCF-style: chr21-45990830-A-G. GRCh37 (hg19) VCF-style: chr21-47410744-A-G.
Other names: c.1056+4A>G (NM_001848.2).
Identifiers: ClinVar variation 286598 (VCV000286598.11), dbSNP rs886043433, ClinGen allele CA10605517.